The following is an entry in ClinVar:

NM_006019.4(TCIRG1):c.117+5G>A

Gene: TCIRG1 (T cell immune regulator 1, ATPase H+ transporting V0 subunit a3; plus strand). Cytogenetic location: 11q13.2.
Variant type: single nucleotide variant.
Coding change: c.117+5G>A on transcript NM_006019.4 (MANE Select); 5 bases into the intron after coding-DNA position 117, G replaced by A.
Molecular consequence: intron variant.
Genome position (GRCh38, 1-based): chr11:68,041,393, G>A. VCF-style: chr11-68041393-G-A. GRCh37 (hg19) VCF-style: chr11-67808860-G-A.
Other names: c.-1133+5G>A (NM_001351059.2); c.117+5G>A (NM_006019.3).
Identifiers: ClinVar variation 1492052 (VCV001492052.11), dbSNP rs2134430922, ClinGen allele CA2573147490.
Genomic context (GRCh38, chr11:68,041,393, plus strand): 5'-CTGCCTACACCTGCGTGAGTCGGCTGGGCGAGCTGGGCCTCGTGGAGTTCAGAGACGTGA[G>A]TTGGGTGGGCAGGCGTGGGAAGGGGGCTACTGCCAAGGTTAGCCCGGAGGCCGGTCCAGG-3'

ClinVar aggregate classification (germline): Likely pathogenic. Review status: criteria provided, multiple submitters, no conflicts (2 of 4 stars). 4 submissions from 4 submitters: Likely pathogenic (4). Last evaluated 2026-01-28.

Conditions:
Autosomal recessive osteopetrosis 1. Also called: TCIRG1-Related Autosomal Recessive Osteopetrosis; ALBERS-SCHONBERG DISEASE, AUTOSOMAL RECESSIVE; TCIRG1-Related Osteopetrosis. Identifiers: Orphanet 667, MedGen C1850127, MONDO:0009815, OMIM 259700.

Submissions (4):

Labcorp Genetics (formerly Invitae), Labcorp
Classification: Likely pathogenic. Last evaluated: 2026-01-28. Review status: criteria provided, single submitter. Criteria: Invitae Variant Classification Sherloc (09022015). Collection method: clinical testing. Allele origin: germline.
Comment: This sequence change falls in intron 2 of the TCIRG1 gene. It does not directly change the encoded amino acid sequence of the TCIRG1 protein. It affects a nucleotide within the consensus splice site. This variant is not present in population databases (gnomAD no frequency). This variant has been observed in individual(s) with infantile osteopetrosis (PMID: 15300850, 30539151). In at least one individual the data is consistent with being in trans (on the opposite chromosome) from a pathogenic variant. ClinVar contains an entry for this variant (Variation ID: 1492052). Variants that disrupt the consensus splice site are a relatively common cause of aberrant splicing (PMID: 17576681, 9536098). Algorithms developed to predict the effect of sequence changes on RNA splicing suggest that this variant may disrupt the consensus splice site. In summary, the currently available evidence indicates that the variant is pathogenic, but additional data are needed to prove that conclusively. Therefore, this variant has been classified as Likely Pathogenic.

Natera, Inc.
Classification: Likely pathogenic for Infantile malignant osteopetrosis. Last evaluated: 2025-05-12. Review status: criteria provided, single submitter. Criteria: Natera Variant Classification Schema (03/2026). Collection method: clinical testing. Allele origin: germline.
Comment: The c.117+5G>A variant in TCIRG1 is an intronic variant located outside the canonical splice sites. This variant is rare in the general population with a frequency below the threshold expected for the associated phenotype(s). This variant has been observed in one or more individuals affected with the associated recessive disease, as either homozygous or compound heterozygous with a second variant (PMID: 15300850, 30539151). Computational prediction algorithms indicate this variant is likely to affect gene or protein function. Given the available evidence, this variant is classified as Likely Pathogenic.

Fulgent Genetics
Classification: Likely pathogenic for Autosomal recessive osteopetrosis 1. Last evaluated: 2024-02-02. Review status: criteria provided, single submitter. Criteria: ACMG Guidelines, 2015. Collection method: clinical testing. Allele origin: germline.

Baylor Genetics
Classification: Likely pathogenic for Autosomal recessive osteopetrosis 1. Last evaluated: 2023-04-12. Review status: criteria provided, single submitter. Criteria: ACMG Guidelines, 2015. Collection method: clinical testing. Allele origin: unknown.

Literature cited by the submitters: PubMed 15300850 (cited by Labcorp Genetics (formerly Invitae), Labcorp and Natera, Inc.); PubMed 30539151 (cited by Labcorp Genetics (formerly Invitae), Labcorp and Natera, Inc.); PubMed 17576681 (cited by Labcorp Genetics (formerly Invitae), Labcorp); PubMed 9536098 (cited by Labcorp Genetics (formerly Invitae), Labcorp).